The following is an entry in ClinVar:

ClinVar aggregate classification (germline): Uncertain significance (1 of 4 stars; one submission).

Conditions:
Aneurysm-osteoarthritis syndrome. Also called: LOEYS-DIETZ SYNDROME WITH OSTEOARTHRITIS; SMAD3-Related Loeys-Dietz Syndrome; ANEURYSMS-OSTEOARTHRITIS SYNDROME; Loeys-Dietz syndrome, type 1C. Identifiers: Orphanet 284984, MedGen C3151087, MONDO:0013426, OMIM 613795.

Submission:

All of Us Research Program, National Institutes of Health
Classification: Uncertain significance for Aneurysm-osteoarthritis syndrome. Last evaluated: 2024-03-05. Review status: criteria provided, single submitter. Criteria: ACMG Guidelines, 2015. Collection method: clinical testing. Allele origin: germline. Inheritance: Autosomal dominant inheritance. Observed: 1 variant allele, 1 heterozygote.
Comment: This study involves interpretation of variants in research participants for the purpose of population health screening. Participant phenotype was not available at the time of variant classification. Additional details can be found in publication PMID: 35346344, PMCID: PMC8962531

NM_005902.4(SMAD3):c.184A>C (p.Thr62Pro)

Gene: SMAD3 (SMAD family member 3; plus strand). Cytogenetic location: 15q22.33.
Variant type: single nucleotide variant.
Coding change: c.184A>C on transcript NM_005902.4 (MANE Select); coding-DNA position 184, A replaced by C.
Protein change: p.Thr62Pro; replaces threonine 62 with proline.
Molecular consequence: missense variant.
Genome position (GRCh38, 1-based): chr15:67,066,338, A>C. VCF-style: chr15-67066338-A-C. GRCh37 (hg19) VCF-style: chr15-67358676-A-C.
Other names: c.184A>C, p.Thr62Pro (NM_001407013.1, NM_001407011.1, NM_001407012.1); short protein forms T62P.
Identifiers: ClinVar variation 3386005 (VCV003386005.1).